The following is an entry in ClinVar:

NM_001122681.2(SH3BP2):c.1135C>T (p.Pro379Ser)

Gene: SH3BP2 (SH3 domain binding protein 2; plus strand). Cytogenetic location: 4p16.3.
Variant type: single nucleotide variant.
Coding change: c.1135C>T on transcript NM_001122681.2 (MANE Select); coding-DNA position 1135, C replaced by T.
Protein change: p.Pro379Ser; replaces proline 379 with serine.
Molecular consequence: missense variant.
Genome position (GRCh38, 1-based): chr4:2,830,041, C>T. VCF-style: chr4-2830041-C-T. GRCh37 (hg19) VCF-style: chr4-2831768-C-T.
Other names: c.1219C>T, p.Pro407Ser (NM_001145855.2); c.1306C>T, p.Pro436Ser (NM_001145856.2); c.1135C>T, p.Pro379Ser (NM_003023.4); short protein forms P407S, P379S, P436S.
Identifiers: ClinVar variation 940212 (VCV000940212.9), dbSNP rs759054470, ClinGen allele CA2819395.
Genomic context (GRCh38, chr4:2,830,041, plus strand): 5'-TTCCTGAAGATAGCTGAAGAGGACCCCCCAAGGGAGGCAGCCATGCCCGGACTCTTTGTG[C>T]CCCCCGTGGCTCCCCGGCCTCCTGCGCTGAAGCTGCCAGTGCCTGAGGCCATGGCGCGGC-3'
Protein context (NP_001116153.1, residues 369-389): REAAMPGLFV[Pro379Ser]PVAPRPPALK

ClinVar aggregate classification (germline): Uncertain significance (1 of 4 stars; one submission).

Conditions:
Fibrous dysplasia of jaw (CRBM). Also called: Cherubism. Identifiers: Orphanet 184, MedGen C0008029, MONDO:0007315, OMIM 118400.

Allele frequency attached by ClinVar (database versions not stated): TOPMed 0.00001; ExAC 0.00002; gnomAD exomes 0.00003.
gnomAD v4.1: 38 of 1,612,266 alleles (0.0024%); highest among the groups gnomAD compares: Admixed American, 0.005%; no homozygotes.

Submission:

Labcorp Genetics (formerly Invitae), Labcorp
Classification: Uncertain significance for Fibrous dysplasia of jaw. Last evaluated: 2025-06-01. Review status: criteria provided, single submitter. Criteria: Invitae Variant Classification Sherloc (09022015). Collection method: clinical testing. Allele origin: germline.
Comment: This sequence change replaces proline, which is neutral and non-polar, with serine, which is neutral and polar, at codon 379 of the SH3BP2 protein (p.Pro379Ser). This variant is present in population databases (rs759054470, gnomAD 0.009%). This variant has not been reported in the literature in individuals affected with SH3BP2-related conditions. ClinVar contains an entry for this variant (Variation ID: 940212). Invitae Evidence Modeling of protein sequence and biophysical properties (such as structural, functional, and spatial information, amino acid conservation, physicochemical variation, residue mobility, and thermodynamic stability) indicates that this missense variant is not expected to disrupt SH3BP2 protein function with a negative predictive value of 95%. In summary, the available evidence is currently insufficient to determine the role of this variant in disease. Therefore, it has been classified as a Variant of Uncertain Significance.